The following is an entry in ClinVar:

ClinVar aggregate classification (germline): Uncertain significance. Review status: criteria provided, multiple submitters, no conflicts (2 of 4 stars). 3 submissions from 3 submitters: Uncertain significance (3). Last evaluated 2024-07-04.

Conditions:
Coenzyme Q10 deficiency, primary, 3 (COQ10D3). Identifiers: Orphanet 255249, MedGen C3553358, MONDO:0013838, OMIM 614652.

gnomAD v4.1: 47 of 1,614,068 alleles (0.0029%); highest among the groups gnomAD compares: Non-Finnish European, 0.0039%; no homozygotes.

Submissions (3):

GeneDx
Classification: Uncertain significance. Last evaluated: 2024-07-04. Review status: criteria provided, single submitter. Criteria: GeneDx Variant Classification Process June 2021. Collection method: clinical testing. Allele origin: germline. Affected: yes.
Comment: Not observed at significant frequency in large population cohorts (gnomAD); In silico analysis supports that this missense variant has a deleterious effect on protein structure/function; Has not been previously published as pathogenic or benign to our knowledge

Mayo Clinic Laboratories, Mayo Clinic
Classification: Uncertain significance. Last evaluated: 2024-05-21. Review status: criteria provided, single submitter. Criteria: ACMG Guidelines, 2015. Collection method: clinical testing. Allele origin: germline. Observed: 1 variant allele.
Comment: PM2

Fulgent Genetics
Classification: Uncertain significance for Coenzyme Q10 deficiency, primary, 3. Last evaluated: 2024-02-09. Review status: criteria provided, single submitter. Criteria: ACMG Guidelines, 2015. Collection method: clinical testing. Allele origin: germline.

NM_020381.4(PDSS2):c.1169A>G (p.Asn390Ser)

Gene: PDSS2 (decaprenyl diphosphate synthase subunit 2; minus strand). Cytogenetic location: 6q21.
Variant type: single nucleotide variant.
Coding change: c.1169A>G on transcript NM_020381.4 (MANE Select); coding-DNA position 1169, A replaced by G.
Protein change: p.Asn390Ser; replaces asparagine 390 with serine.
Molecular consequence: missense variant.
Genome position (GRCh38, 1-based): chr6:107,154,650, T>C on the plus strand (A>G on the coding strand, the complement: PDSS2 is on the minus strand). VCF-style: chr6-107154650-T-C. GRCh37 (hg19) VCF-style: chr6-107475854-T-C.
Other names: p.Asn390Ser; c.1169A>G (NM_020381.3); short protein forms N390S.
Identifiers: ClinVar variation 3379705 (VCV003379705.3).
Genomic context (GRCh38, chr6:107,154,650, plus strand): 5'-ACTAACAATAGTGTCTTTTTAATTTGATGTCATGAAAATCTGGTCACAGCAAACACAATG[T>C]TTTCTAAAGCAGATCTGGCCTCCGAGGGAGGAAAGCTCTCCAGGGCCTCCAGTGCCTTGT-3'
Protein context (NP_065114.3, residues 380-399): PPSEARSALE[Asn390Ser]IVFAVTRFS